The following is an entry in ClinVar:

ClinVar aggregate classification (germline): Benign. Review status: criteria provided, single submitter (1 of 4 stars). 2 submissions from 2 submitters: Benign (1). 1 of the submissions does not count toward it. Last evaluated 2018-11-27.

Conditions:
AMPD2-related disorder. Also called: AMPD2-related condition.

Allele frequency attached by ClinVar (database versions not stated): TOPMed 0.00006; gnomAD exomes 0.00059; 1000 Genomes Project 30x 0.00062; 1000 Genomes Project 0.00080; gnomAD 0.00102.
gnomAD v4.1: 1,003 of 1,613,988 alleles (0.062%); highest among the groups gnomAD compares: Non-Finnish European, 0.0075%; 6 homozygotes.

Submissions (2):

Labcorp Genetics (formerly Invitae), Labcorp
Classification: Benign. Last evaluated: 2018-11-27. Review status: criteria provided, single submitter. Criteria: Invitae Variant Classification Sherloc (09022015). Collection method: clinical testing. Allele origin: germline.

PreventionGenetics, part of Exact Sciences
Classification: Benign for AMPD2-related condition. Last evaluated: 2019-05-02. Review status: no assertion criteria provided. Collection method: clinical testing. Allele origin: germline. Not counted in ClinVar's aggregate classification.
Comment: This variant is classified as benign based on ACMG/AMP sequence variant interpretation guidelines (Richards et al. 2015 PMID: 25741868, with internal and published modifications).

NM_001368809.2(AMPD2):c.2082G>A (p.Pro694=)

Gene: AMPD2 (adenosine monophosphate deaminase 2; plus strand). Cytogenetic location: 1p13.3.
Variant type: single nucleotide variant.
Coding change: c.2082G>A on transcript NM_001368809.2 (MANE Select); coding-DNA position 2082, G replaced by A.
Protein change: p.Pro694=; no amino-acid change (proline 694 retained).
Molecular consequence: synonymous variant.
Genome position (GRCh38, 1-based): chr1:109,630,331, G>A. VCF-style: chr1-109630331-G-A. GRCh37 (hg19) VCF-style: chr1-110172953-G-A.
Other names: c.2244G>A (NM_001257360.1); c.1890G>A, p.Pro630= (NM_001257361.2); c.2019G>A, p.Pro673= (NM_001308170.1); c.2082G>A, p.Pro694= (NM_004037.9); c.2001G>A, p.Pro667= (NM_139156.4).
Identifiers: ClinVar variation 789422 (VCV000789422.5), dbSNP rs201580843, ClinGen allele CA993274.